The following is an entry in ClinVar:

ClinVar aggregate classification (germline): Uncertain significance. Review status: criteria provided, multiple submitters, no conflicts (2 of 4 stars). 4 submissions from 4 submitters: Uncertain significance (4). Last evaluated 2026-04-08.

Conditions:
Inborn genetic diseases. Identifiers: MedGen C0950123, MeSH D030342.
Leukocyte adhesion deficiency 3. Also called: INTEGRIN ACTIVATION DEFICIENCY DISEASE; LEUKOCYTE ADHESION DEFICIENCY 1 VARIANT; Leukocyte adhesion deficiency, type III. Identifiers: Orphanet 2968, Orphanet 99844, MedGen C2748536, MONDO:0013016, OMIM 612840.

Allele frequency attached by ClinVar (database versions not stated): gnomAD exomes 0.00001; gnomAD 0.00002; ExAC 0.00003; TOPMed 0.00003.

Submissions (4):

Women's Health and Genetics/Laboratory Corporation of America, LabCorp
Classification: Uncertain significance. Last evaluated: 2026-04-08. Review status: criteria provided, single submitter. Criteria: LabCorp Variant Classification Summary - May 2015. Collection method: clinical testing. Allele origin: germline.
Comment: Variant summary: FERMT3 c.1612C>T (p.Arg538Cys) results in a non-conservative amino acid change in the encoded protein sequence. Algorithms developed to predict the effect of missense changes on protein structure and function all suggest that this variant is likely to be disruptive. The variant allele was found at a frequency of 2.8e-05 in 249966 control chromosomes. The available data on variant occurrences in the general population are insufficient to allow any conclusion about variant significance. To our knowledge, no occurrence of c.1612C>T in individuals affected with FERMT3-related conditions and no experimental evidence demonstrating its impact on protein function have been reported. ClinVar contains an entry for this variant (Variation ID: 2081898). Based on the evidence outlined above, the variant was classified as uncertain significance.

Ambry Genetics
Classification: Uncertain significance for Inborn genetic diseases. Last evaluated: 2025-08-29. Review status: criteria provided, single submitter. Criteria: Ambry Variant Classification Scheme 2023. Collection method: clinical testing. Allele origin: germline.

Labcorp Genetics (formerly Invitae), Labcorp
Classification: Uncertain significance for Leukocyte adhesion deficiency 3. Last evaluated: 2024-12-09. Review status: criteria provided, single submitter. Criteria: Invitae Variant Classification Sherloc (09022015). Collection method: clinical testing. Allele origin: germline.
Comment: This sequence change replaces arginine, which is basic and polar, with cysteine, which is neutral and slightly polar, at codon 538 of the FERMT3 protein (p.Arg538Cys). This variant is present in population databases (rs760475221, gnomAD 0.02%). This variant has not been reported in the literature in individuals affected with FERMT3-related conditions. ClinVar contains an entry for this variant (Variation ID: 2081898). Invitae Evidence Modeling of protein sequence and biophysical properties (such as structural, functional, and spatial information, amino acid conservation, physicochemical variation, residue mobility, and thermodynamic stability) has been performed for this missense variant. However, the output from this modeling did not meet the statistical confidence thresholds required to predict the impact of this variant on FERMT3 protein function. In summary, the available evidence is currently insufficient to determine the role of this variant in disease. Therefore, it has been classified as a Variant of Uncertain Significance.

Blueprint Genetics
Classification: Uncertain significance. Last evaluated: 2019-01-24. Review status: criteria provided, single submitter. Criteria: ACMG Guidelines, 2015. Collection method: clinical testing. Allele origin: germline.

NM_031471.6(FERMT3):c.1612C>T (p.Arg538Cys)

Gene: FERMT3 (FERM domain containing kindlin 3; plus strand). Cytogenetic location: 11q13.1.
Variant type: single nucleotide variant.
Coding change: c.1612C>T on transcript NM_031471.6 (MANE Select); coding-DNA position 1612, C replaced by T.
Protein change: p.Arg538Cys; replaces arginine 538 with cysteine.
Molecular consequence: missense variant.
Genome position (GRCh38, 1-based): chr11:64,221,082, C>T. VCF-style: chr11-64221082-C-T. GRCh37 (hg19) VCF-style: chr11-63988554-C-T.
Other names: c.1612C>T, p.Arg538Cys (NM_001382361.1, NM_001382448.1); c.1624C>T, p.Arg542Cys (NM_001382362.1, NM_178443.3); c.1072C>T, p.Arg358Cys (NM_001382363.1); c.1084C>T, p.Arg362Cys (NM_001382364.1); c.1612C>T (NM_031471.5); short protein forms R538C, R358C, R542C, R362C.
Identifiers: ClinVar variation 2081898 (VCV002081898.5), dbSNP rs760475221, ClinGen allele CA6069227.